The following is an entry in ClinVar:

ClinVar aggregate classification (germline): Uncertain significance (1 of 4 stars; one submission).

Conditions:
Focal segmental glomerulosclerosis 7 (FSGS7). Identifiers: Orphanet 656, MedGen C4014925, MONDO:0014451, OMIM 616002.
Renal coloboma syndrome (PAPRS). Also called: COLOBOMA OF OPTIC NERVE WITH RENAL DISEASE; OPTIC COLOBOMA, VESICOURETERAL REFLUX, AND RENAL ANOMALIES; OPTIC NERVE COLOBOMA WITH RENAL DISEASE; RENAL-COLOBOMA SYNDROME WITH MACULAR ABNORMALITIES; PAPILLORENAL SYNDROME WITH MILD OCULAR ABNORMALITIES; CONGENITAL ANOMALIES OF THE KIDNEY AND URINARY TRACT WITH OR WITHOUT OCULAR ABNORMALITIES. Identifiers: Orphanet 1475, MedGen C1852759, MONDO:0007352, OMIM 120330.

Allele frequency attached by ClinVar (database versions not stated): gnomAD exomes 0.00001.
gnomAD v4.1: 9 of 1,611,718 alleles (0.00056%); highest among the groups gnomAD compares: Admixed American, 0.005%; no homozygotes.

Submission:

Labcorp Genetics (formerly Invitae), Labcorp
Classification: Uncertain significance for Renal coloboma syndrome; Focal segmental glomerulosclerosis 7. Last evaluated: 2024-03-30. Review status: criteria provided, single submitter. Criteria: Invitae Variant Classification Sherloc (09022015). Collection method: clinical testing. Allele origin: germline.
Comment: This sequence change replaces aspartic acid, which is acidic and polar, with asparagine, which is neutral and polar, at codon 35 of the PAX2 protein (p.Asp35Asn). This variant is present in population databases (no rsID available, gnomAD 0.01%). This variant has not been reported in the literature in individuals affected with PAX2-related conditions. ClinVar contains an entry for this variant (Variation ID: 1377007). An algorithm developed to predict the effect of missense changes on protein structure and function (PolyPhen-2) suggests that this variant is likely to be disruptive. In summary, the available evidence is currently insufficient to determine the role of this variant in disease. Therefore, it has been classified as a Variant of Uncertain Significance.

NM_000278.5(PAX2):c.103G>A (p.Asp35Asn)

Gene: PAX2 (paired box 2; plus strand). Cytogenetic location: 10q24.31.
Variant type: single nucleotide variant.
Coding change: c.103G>A on transcript NM_000278.5 (MANE Select); coding-DNA position 103, G replaced by A.
Protein change: p.Asp35Asn; replaces aspartic acid 35 with asparagine.
Molecular consequence: missense variant.
Genome position (GRCh38, 1-based): chr10:100,749,805, G>A. VCF-style: chr10-100749805-G-A. GRCh37 (hg19) VCF-style: chr10-102509562-G-A.
Other names: c.196G>A, p.Asp66Asn (NM_001304569.2); c.103G>A, p.Asp35Asn (NM_003987.5, NM_003988.5, NM_003989.5 and 1 more transcripts); short protein forms D66N, D35N.
Identifiers: ClinVar variation 1377007 (VCV001377007.6), dbSNP rs968200750, ClinGen allele CA378257530.